The following is an entry in ClinVar:

ClinVar aggregate classification (germline): Pathogenic (1 of 4 stars; one submission).

Conditions:
Epilepsy, X-linked 1, with variable learning disabilities and behavior disorders. Also called: X-linked epilepsy-learning disabilities-behavior disorders syndrome. Identifiers: Orphanet 85294, MedGen C5774177, MONDO:0010339, OMIM 300491.

Submission:

Labcorp Genetics (formerly Invitae), Labcorp
Classification: Pathogenic for Epilepsy, X-linked 1, with variable learning disabilities and behavior disorders. Last evaluated: 2023-10-07. Review status: criteria provided, single submitter. Criteria: Invitae Variant Classification Sherloc (09022015). Collection method: clinical testing. Allele origin: germline.
Comment: This sequence change creates a premature translational stop signal (p.Pro33Glnfs*29) in the SYN1 gene. It is expected to result in an absent or disrupted protein product. Loss-of-function variants in SYN1 are known to be pathogenic (PMID: 14985377, 21441247). This variant is not present in population databases (gnomAD no frequency). This variant has not been reported in the literature in individuals affected with SYN1-related conditions. For these reasons, this variant has been classified as Pathogenic.

Literature cited by the submitters: PubMed 14985377; PubMed 21441247.

NM_006950.3(SYN1):c.98_114del (p.Pro33fs)

Gene: SYN1 (synapsin I; minus strand). Cytogenetic location: Xp11.23.
Variant type: Deletion.
Coding change: c.98_114del on transcript NM_006950.3 (MANE Select); coding-DNA positions 98 to 114, 17 bases deleted (CGCCGCCCGGTGCCCAC).
Protein change: p.Pro33fs; shifts the reading frame from proline 33.
Molecular consequence: frameshift variant.
Genome position (GRCh38, 1-based): chrX:47,619,615-47,619,631, GTGGGCACCGGGCGGCG deleted on the plus strand (CGCCGCCCGGTGCCCAC on the coding strand, the reverse complement: SYN1 is on the minus strand); deleting any 17 consecutive bases within chrX:47,619,615-47,619,636 gives the same sequence; the c. name uses the placement nearest the transcript's 3' end. VCF-style (leftmost placement, unchanged base first): chrX-47619614-TGTGGGCACCGGGCGGCG-T. GRCh37 (hg19) VCF-style: chrX-47479013-TGTGGGCACCGGGCGGCG-T.
Other names: c.98_114del, p.Pro33fs (NM_133499.2); short protein forms P33fs.
Identifiers: ClinVar variation 2766607 (VCV002766607.3), dbSNP rs2519712469, ClinGen allele CA2697553086.